The following is an entry in ClinVar:

NM_001005373.4(LRSAM1):c.352C>T (p.Gln118Ter)

Gene: LRSAM1 (leucine rich repeat and sterile alpha motif containing 1; plus strand). Cytogenetic location: 9q33.3.
Variant type: single nucleotide variant.
Coding change: c.352C>T on transcript NM_001005373.4 (MANE Select); coding-DNA position 352, C replaced by T.
Protein change: p.Gln118Ter; replaces glutamine 118 with a stop codon.
Molecular consequence: nonsense. On other transcripts: 5 prime UTR variant (1), non-coding transcript variant (2).
Genome position (GRCh38, 1-based): chr9:127,461,203, C>T. VCF-style: chr9-127461203-C-T. GRCh37 (hg19) VCF-style: chr9-130223482-C-T.
Other names: c.352C>T, p.Gln118Ter (NM_001005374.4, NM_001190723.3, NM_001384142.1 and 2 more transcripts); c.-433C>T (NM_001384144.1); short protein forms Q118*.
Identifiers: ClinVar variation 1512430 (VCV001512430.6), dbSNP rs2132010730, ClinGen allele CA374967871.

ClinVar aggregate classification (germline): Pathogenic (1 of 4 stars; one submission).

Conditions:
Charcot-Marie-Tooth disease axonal type 2P. Also called: Charcot-Marie-Tooth Neuropathy Type 2G; CHARCOT-MARIE-TOOTH NEUROPATHY, TYPE 2P; CHARCOT-MARIE-TOOTH DISEASE, AXONAL, TYPE 2G; CMT 2G. Identifiers: Orphanet 300319, Orphanet 99941, MedGen C3280797, MONDO:0013753, OMIM 614436.

Allele frequency attached by ClinVar (database versions not stated): gnomAD exomes below 0.00001.
gnomAD v4.1: 1 of 1,611,834 alleles (0.000062%); highest among the groups gnomAD compares: Non-Finnish European, 0.000085%; no homozygotes.

Submission:

Labcorp Genetics (formerly Invitae), Labcorp
Classification: Pathogenic for Charcot-Marie-Tooth disease axonal type 2P. Last evaluated: 2022-09-19. Review status: criteria provided, single submitter. Criteria: Invitae Variant Classification Sherloc (09022015). Collection method: clinical testing. Allele origin: germline.
Comment: For these reasons, this variant has been classified as Pathogenic. Algorithms developed to predict the effect of sequence changes on RNA splicing suggest that this variant may create or strengthen a splice site. ClinVar contains an entry for this variant (Variation ID: 1512430). This variant has not been reported in the literature in individuals affected with LRSAM1-related conditions. This variant is not present in population databases (gnomAD no frequency). This sequence change creates a premature translational stop signal (p.Gln118*) in the LRSAM1 gene. It is expected to result in an absent or disrupted protein product. Loss-of-function variants in LRSAM1 are known to be pathogenic (PMID: 20865121, 33414056).

Literature cited by the submitters: PubMed 20865121; PubMed 33414056.